The following is an entry in ClinVar:

ClinVar aggregate classification (germline): Uncertain significance. Review status: criteria provided, multiple submitters, no conflicts (2 of 4 stars). 2 submissions from 2 submitters: Uncertain significance (2). Last evaluated 2023-09-10.

Conditions:
Marfan syndrome (MFS). Also called: MARFAN SYNDROME, TYPE I; Marfan syndrome type 1; Marfan's syndrome; Marfan syndrome, classic; FBN1-Related Marfan Syndrome. Identifiers: Orphanet 284963, Orphanet 558, MedGen C0024796, MONDO:0007947, OMIM 154700.
Familial thoracic aortic aneurysm and aortic dissection (TAAD). Also called: Thoracic aortic aneurysms and dissections. Identifiers: Orphanet 91387, MedGen C4707243, MONDO:0019625.

Submissions (2):

Labcorp Genetics (formerly Invitae), Labcorp
Classification: Uncertain significance for Marfan syndrome; Familial thoracic aortic aneurysm and aortic dissection. Last evaluated: 2023-09-10. Review status: criteria provided, single submitter. Criteria: Invitae Variant Classification Sherloc (09022015). Collection method: clinical testing. Allele origin: germline.
Comment: This sequence change replaces alanine, which is neutral and non-polar, with valine, which is neutral and non-polar, at codon 2385 of the FBN1 protein (p.Ala2385Val). This variant is not present in population databases (gnomAD no frequency). This variant has not been reported in the literature in individuals affected with FBN1-related conditions. Advanced modeling of protein sequence and biophysical properties (such as structural, functional, and spatial information, amino acid conservation, physicochemical variation, residue mobility, and thermodynamic stability) performed at Invitae indicates that this missense variant is not expected to disrupt FBN1 protein function. In summary, the available evidence is currently insufficient to determine the role of this variant in disease. Therefore, it has been classified as a Variant of Uncertain Significance.

All of Us Research Program, National Institutes of Health
Classification: Uncertain significance for Marfan syndrome. Last evaluated: 2023-06-08. Review status: criteria provided, single submitter. Criteria: ACMG Guidelines, 2015. Collection method: clinical testing. Allele origin: germline. Inheritance: Autosomal dominant inheritance. Observed: 1 variant allele, 1 heterozygote.
Comment: This missense variant replaces alanine with valine at codon 2385 of the FBN1 protein. Computational prediction suggests that this variant may not impact protein structure and function (internally defined REVEL score threshold <= 0.5, PMID: 27666373). To our knowledge, functional studies have not been reported for this variant. This variant has not been reported in individuals affected with FBN1-related disorders in the literature. This variant has not been identified in the general population by the Genome Aggregation Database (gnomAD). The available evidence is insufficient to determine the role of this variant in disease conclusively. Therefore, this variant is classified as a Variant of Uncertain Significance.

This study involves interpretation of variants in research participants for the purpose of population health screening. Participant phenotype was not available at the time of variant classification. Additional details can be found in publication PMID: 35346344, PMCID: PMC8962531

NM_000138.5(FBN1):c.7154C>T (p.Ala2385Val)

Gene: FBN1 (fibrillin 1; minus strand). Cytogenetic location: 15q21.1.
Variant type: single nucleotide variant.
Coding change: c.7154C>T on transcript NM_000138.5 (MANE Select); coding-DNA position 7154, C replaced by T.
Protein change: p.Ala2385Val; replaces alanine 2385 with valine.
Molecular consequence: missense variant.
Genome position (GRCh38, 1-based): chr15:48,427,617, G>A on the plus strand (C>T on the coding strand, the complement: FBN1 is on the minus strand). VCF-style: chr15-48427617-G-A. GRCh37 (hg19) VCF-style: chr15-48719814-G-A.
Other names: c.7154C>T, p.Ala2385Val (NM_001406716.1); short protein forms A2385V.
Identifiers: ClinVar variation 2930872 (VCV002930872.4), dbSNP rs2505412128, ClinGen allele CA392329392.